The following is an entry in ClinVar:

NM_015046.7(SETX):c.2469C>G (p.Phe823Leu)

Gene: SETX (senataxin; minus strand). Cytogenetic location: 9q34.13.
Variant type: single nucleotide variant.
Coding change: c.2469C>G on transcript NM_015046.7 (MANE Select); coding-DNA position 2469, C replaced by G.
Protein change: p.Phe823Leu; replaces phenylalanine 823 with leucine.
Molecular consequence: missense variant.
Genome position (GRCh38, 1-based): chr9:132,329,129, G>C on the plus strand (C>G on the coding strand, the complement: SETX is on the minus strand). VCF-style: chr9-132329129-G-C. GRCh37 (hg19) VCF-style: chr9-135204516-G-C.
Other names: p.Phe823Leu; c.2469C>G, p.Phe823Leu (NM_001351527.2, NM_001351528.2); short protein forms F823L.
Identifiers: ClinVar variation 365365 (VCV000365365.16), dbSNP rs141163823, ClinGen allele CA5297588.

ClinVar aggregate classification (germline): Conflicting classifications of pathogenicity. Review status: criteria provided, conflicting classifications (1 of 4 stars). 6 submissions from 5 submitters: Uncertain significance (1); Benign (5). Last evaluated 2025-12-08.

Conditions:
Amyotrophic lateral sclerosis type 4 (ALS4). Also called: AMYOTROPHIC LATERAL SCLEROSIS 4, JUVENILE; NEURONOPATHY, DISTAL HEREDITARY MOTOR, WITH PYRAMIDAL FEATURES. Identifiers: Orphanet 357043, MedGen C1865409, MONDO:0011223, OMIM 602433.
Spinocerebellar ataxia, autosomal recessive, with axonal neuropathy 2 (SCAN2). Also called: Ataxia-ocular apraxia-2; Ataxia with Oculomotor Apraxia; ATAXIA-OCULOMOTOR APRAXIA 2; Ataxia with Oculomotor Apraxia Type 2. Identifiers: Orphanet 64753, MedGen C1853761, MONDO:0018996, OMIM 606002.

Allele frequency attached by ClinVar (database versions not stated): gnomAD 0.00007 and 0.00033; TOPMed 0.00008; gnomAD exomes 0.00017 and 0.00083; ExAC 0.00025; 1000 Genomes Project 30x 0.00187; 1000 Genomes Project 0.00240.
gnomAD v4.1: 1,221 of 1,610,084 alleles (0.076%); highest among the groups gnomAD compares: East Asian, 2.7%; 32 homozygotes.

Submissions (6):

Labcorp Genetics (formerly Invitae), Labcorp
Classification: Benign for Amyotrophic lateral sclerosis type 4; Spinocerebellar ataxia, autosomal recessive, with axonal neuropathy 2. Last evaluated: 2025-12-08. Review status: criteria provided, single submitter. Criteria: Invitae Variant Classification Sherloc (09022015). Collection method: clinical testing. Allele origin: germline.

Mayo Clinic Laboratories, Mayo Clinic
Classification: Benign. Last evaluated: 2025-05-07. Review status: criteria provided, single submitter. Criteria: ACMG Guidelines, 2015. Collection method: clinical testing. Allele origin: germline. Observed: 1 variant allele.
Comment: BS1, BS2, BP4

Blueprint Genetics
Classification: Benign. Last evaluated: 2023-05-30. Review status: criteria provided, single submitter. Criteria: ACMG Guidelines, 2015. Collection method: clinical testing. Allele origin: germline.

Athena Diagnostics
Classification: Benign. Last evaluated: 2021-06-07. Review status: criteria provided, single submitter. Criteria: Athena Diagnostics criteria. Collection method: clinical testing. Allele origin: unknown.

Illumina Laboratory Services, Illumina
Classification: Benign for Amyotrophic lateral sclerosis type 4. Last evaluated: 2018-01-13. Review status: criteria provided, single submitter. Criteria: ICSL Variant Classification Criteria 13 December 2019. Collection method: clinical testing. Allele origin: germline.
Comment: This variant was observed in the ICSL laboratory as part of a predisposition screen in an ostensibly healthy population. It had not been previously curated by ICSL or reported in the Human Gene Mutation Database (HGMD: prior to June 1st, 2018), and was therefore a candidate for classification through an automated scoring system. Utilizing variant allele frequency, disease prevalence and penetrance estimates, and inheritance mode, an automated score was calculated to assess if this variant is too frequent to cause the disease. Based on the score and internal cut-off values, a variant classified as benign is not then subjected to further curation. The score for this variant resulted in a classification of benign for this disease.

Illumina Laboratory Services, Illumina
Classification: Uncertain significance for Spinocerebellar ataxia, autosomal recessive, with axonal neuropathy 2. Last evaluated: 2018-01-13. Review status: criteria provided, single submitter. Criteria: ICSL Variant Classification Criteria 13 December 2019. Collection method: clinical testing. Allele origin: germline.